The following is an entry in ClinVar:

NM_198904.4(GABRG2):c.1347G>A (p.Met449Ile)

Gene: GABRG2 (gamma-aminobutyric acid type A receptor subunit gamma2; plus strand). Cytogenetic location: 5q34.
Variant type: single nucleotide variant.
Coding change: c.1347G>A on transcript NM_198904.4 (MANE Select); coding-DNA position 1347, G replaced by A.
Protein change: p.Met449Ile; replaces methionine 449 with isoleucine.
Molecular consequence: missense variant. On other transcripts: 3 prime UTR variant (1).
Genome position (GRCh38, 1-based): chr5:162,153,287, G>A. VCF-style: chr5-162153287-G-A. GRCh37 (hg19) VCF-style: chr5-161580293-G-A.
Other names: c.1323G>A, p.Met441Ile (NM_000816.3); c.1338G>A, p.Met446Ile (NM_001375339.1); c.*181G>A (NM_001375340.1); c.1344G>A, p.Met448Ile (NM_001375341.1); c.1320G>A, p.Met440Ile (NM_001375342.1); c.1443G>A, p.Met481Ile (NM_001375343.1); c.1386G>A, p.Met462Ile (NM_001375344.1); c.1257G>A, p.Met419Ile (NM_001375345.1); and 6 more; short protein forms M301I, M309I, M346I, M419I, M420I, M427I, M440I, M441I.
Identifiers: ClinVar variation 1306119 (VCV001306119.2), dbSNP rs2113651295, ClinGen allele CA362183903.
Genomic context (GRCh38, chr5:162,153,287, plus strand): 5'-TGAAGATTGTCGAACAGGAGCTTGGAGACATGGGAGGATACATATCCGCATTGCCAAAAT[G>A]GACTCCTATGCTCGGATCTTCTTCCCCACTGCCTTCTGCCTGTTTAATCTGGTCTATTGG-3'
Protein context (NP_944494.1, residues 439-459): HGRIHIRIAK[Met449Ile]DSYARIFFPT

ClinVar aggregate classification (germline): Uncertain significance (1 of 4 stars; one submission).

Submission:

GeneDx
Classification: Uncertain significance. Last evaluated: 2019-02-14. Review status: criteria provided, single submitter. Criteria: GeneDx Variant Classification Process June 2021. Collection method: clinical testing. Allele origin: germline. Affected: yes.
Comment: Not observed at a significant frequency in large population cohorts (Lek et al., 2016); The majority of missense variants in this gene are considered pathogenic (Stenson et al., 2014); In silico analysis, which includes protein predictors and evolutionary conservation, supports that this variant does not alter protein structure/function